The following is an entry in ClinVar:

NM_001851.6(COL9A1):c.252G>T (p.Gln84His)

Gene: COL9A1 (collagen type IX alpha 1 chain; minus strand). Cytogenetic location: 6q13.
Variant type: single nucleotide variant.
Coding change: c.252G>T on transcript NM_001851.6 (MANE Select); coding-DNA position 252, G replaced by T.
Protein change: p.Gln84His; replaces glutamine 84 with histidine.
Molecular consequence: missense variant.
Genome position (GRCh38, 1-based): chr6:70,300,090, C>A on the plus strand (G>T on the coding strand, the complement: COL9A1 is on the minus strand). VCF-style: chr6-70300090-C-A. GRCh37 (hg19) VCF-style: chr6-71009793-C-A.
Other names: c.252G>T, p.Gln84His (NM_001377291.1); short protein forms Q84H.
Identifiers: ClinVar variation 1317112 (VCV001317112.2), dbSNP rs1208726729, ClinGen allele CA364674328.

ClinVar aggregate classification (germline): Uncertain significance (1 of 4 stars; one submission).

Submission:

GeneDx
Classification: Uncertain significance. Last evaluated: 2019-06-18. Review status: criteria provided, single submitter. Criteria: GeneDx Variant Classification Process June 2021. Collection method: clinical testing. Allele origin: germline. Affected: yes.
Comment: Has not been previously published as pathogenic or benign to our knowledge; Not observed in large population cohorts (Lek et al., 2016); In silico analysis, which includes protein predictors and evolutionary conservation, supports a deleterious effect